The following is an entry in ClinVar:

NM_025099.6(CTC1):c.3425_3426delinsAT (p.Leu1142His)

Gene: CTC1 (CST telomere replication complex component 1; minus strand). Cytogenetic location: 17p13.1.
Variant type: Indel.
Coding change: c.3425_3426delinsAT on transcript NM_025099.6 (MANE Select); coding-DNA positions 3425 to 3426, TC replaced by AT.
Protein change: p.Leu1142His; replaces leucine 1142 with histidine.
Molecular consequence: missense variant. On other transcripts: non-coding transcript variant (1).
Genome position (GRCh38, 1-based): chr17:8,228,591-8,228,592, GA replaced by AT on the plus strand (TC replaced by AT on the coding strand, the reverse complement: CTC1 is on the minus strand). VCF-style: chr17-8228591-GA-AT. GRCh37 (hg19) VCF-style: chr17-8131909-GA-AT.
Other names: short protein forms L1142H.
Identifiers: ClinVar variation 1434160 (VCV001434160.7), dbSNP rs199473681, ClinGen allele CA287529433.

ClinVar aggregate classification (germline): Conflicting classifications of pathogenicity. Review status: criteria provided, conflicting classifications (1 of 4 stars). 2 submissions from 2 submitters: Likely pathogenic (1); Uncertain significance (1). Last evaluated 2021-03-31.

Conditions:
Dyskeratosis congenita. Identifiers: Orphanet 1775, MedGen C0265965, MONDO:0015780.
CTC1-related disorder. Also called: CTC1-related condition.

Submissions (2):

Labcorp Genetics (formerly Invitae), Labcorp
Classification: Uncertain significance for Dyskeratosis congenita. Last evaluated: 2021-03-31. Review status: criteria provided, single submitter. Criteria: Invitae Variant Classification Sherloc (09022015). Collection method: clinical testing. Allele origin: germline.
Comment: In summary, the available evidence is currently insufficient to determine the role of this variant in disease. Therefore, it has been classified as a Variant of Uncertain Significance. Experimental studies have shown that this variant affects CTC1 protein function (PMID: 24115768, 29481669, 29774655). This variant has been observed in individual(s) with clinical features of autosomal recessive CTC1-related conditions (PMID: 22387016). The frequency data for this variant in the population databases is not available, as this variant may be reported as separate entries in the ExAC database. This sequence change replaces leucine with histidine at codon 1142 of the CTC1 protein (p.Leu1142His). The leucine residue is highly conserved and there is a moderate physicochemical difference between leucine and histidine.

Blueprint Genetics
Classification: Likely pathogenic for CTC1-related disorders. Last evaluated: 2019-05-23. Review status: criteria provided, single submitter. Criteria: ACMG Guidelines, 2015. Collection method: clinical testing. Allele origin: germline. Affected: yes. Observed: 2 variant alleles.

Literature cited by the submitters: PubMed 24115768 (cited by Labcorp Genetics (formerly Invitae), Labcorp); PubMed 29481669 (cited by Labcorp Genetics (formerly Invitae), Labcorp); PubMed 29774655 (cited by Labcorp Genetics (formerly Invitae), Labcorp); PubMed 22387016 (cited by Labcorp Genetics (formerly Invitae), Labcorp).